The following is an entry in ClinVar:

NM_000163.5(GHR):c.70+1G>T

Gene: GHR (growth hormone receptor; plus strand). Cytogenetic location: 5p12.
Variant type: single nucleotide variant.
Coding change: c.70+1G>T on transcript NM_000163.5 (MANE Select); the canonical splice donor site of the intron after coding-DNA position 70, G replaced by T.
Molecular consequence: splice donor variant.
Genome position (GRCh38, 1-based): chr5:42,565,945, G>T. VCF-style: chr5-42565945-G-T. GRCh37 (hg19) VCF-style: chr5-42566047-G-T.
Other names: c.70+1G>T (NM_001242460.2, NM_001242400.2, NM_001242401.4 and 6 more transcripts); c.91+1G>T (NM_001242399.2).
Identifiers: ClinVar variation 2446354 (VCV002446354.1), dbSNP rs1370477353, ClinGen allele CA359694520.

ClinVar aggregate classification (germline): Pathogenic (1 of 4 stars; one submission).

Allele frequency attached by ClinVar (database versions not stated): gnomAD 0.00001.
gnomAD v4.1: 3 of 1,613,914 alleles (0.00019%); highest among the groups gnomAD compares: African/African-American, 0.0027%; no homozygotes.

Submission:

GeneDx
Classification: Pathogenic. Last evaluated: 2023-03-22. Review status: criteria provided, single submitter. Criteria: GeneDx Variant Classification Process June 2021. Collection method: clinical testing. Allele origin: germline. Affected: yes.
Comment: Canonical splice site variant predicted to result in a null allele in a gene for which loss of function is a known mechanism of disease; This variant is associated with the following publications: (PMID: 27124789, 28743110)